The following is an entry in ClinVar:

ClinVar aggregate classification (germline): Uncertain significance (1 of 4 stars; one submission).

Submission:

GeneDx
Classification: Uncertain significance. Last evaluated: 2024-08-26. Review status: criteria provided, single submitter. Criteria: GeneDx Variant Classification Process June 2021. Collection method: clinical testing. Allele origin: germline. Affected: yes.
Comment: Not observed at significant frequency in large population cohorts (gnomAD); In silico analysis indicates that this missense variant does not alter protein structure/function; Has not been previously published as pathogenic or benign to our knowledge

NM_001145073.3(USP27X):c.514G>A (p.Ala172Thr)

Gene: USP27X (ubiquitin specific peptidase 27 X-linked; plus strand). Cytogenetic location: Xp11.23.
Variant type: single nucleotide variant.
Coding change: c.514G>A on transcript NM_001145073.3 (MANE Select); coding-DNA position 514, G replaced by A.
Protein change: p.Ala172Thr; replaces alanine 172 with threonine.
Molecular consequence: missense variant.
Genome position (GRCh38, 1-based): chrX:49,880,821, G>A. VCF-style: chrX-49880821-G-A. GRCh37 (hg19) VCF-style: chrX-49645424-G-A.
Other names: short protein forms A172T.
Identifiers: ClinVar variation 3766383 (VCV003766383.1).
Genomic context (GRCh38, chrX:49,880,821, plus strand): 5'-ATACATGCCCGCCATTTAGCAGGGTACAGGCAACAGGATGCCCACGAGTTCCTCATTGCA[G>A]CGTTAGATGTCCTGCACAGGCACTGCAAAGGTGATGATGTCGGGAAGGCGGCCAACAATC-3'
Protein context (NP_001138545.1, residues 162-182): QQDAHEFLIA[Ala172Thr]LDVLHRHCKG